The following is an entry in ClinVar:

ClinVar aggregate classification (germline): Uncertain significance (1 of 4 stars; one submission).

Conditions:
Inborn genetic diseases. Identifiers: MedGen C0950123, MeSH D030342.

Submission:

Ambry Genetics
Classification: Uncertain significance for Inborn genetic diseases. Last evaluated: 2024-03-15. Review status: criteria provided, single submitter. Criteria: Ambry Variant Classification Scheme 2023. Collection method: clinical testing. Allele origin: germline.
Comment: The c.702T>G (p.I234M) alteration is located in exon 5 (coding exon 5) of the PLAA gene. This alteration results from a T to G substitution at nucleotide position 702, causing the isoleucine (I) at amino acid position 234 to be replaced by a methionine (M). This variant was not reported in population-based cohorts in the Genome Aggregation Database (gnomAD). This amino acid position is highly conserved in available vertebrate species. The in silico prediction for this alteration is inconclusive. Based on insufficient or conflicting evidence, the clinical significance of this alteration remains unclear.

NM_001031689.3(PLAA):c.702T>G (p.Ile234Met)

Gene: PLAA (phospholipase A2 activating protein; minus strand). Cytogenetic location: 9p21.2.
Variant type: single nucleotide variant.
Coding change: c.702T>G on transcript NM_001031689.3 (MANE Select); coding-DNA position 702, T replaced by G.
Protein change: p.Ile234Met; replaces isoleucine 234 with methionine.
Molecular consequence: missense variant.
Genome position (GRCh38, 1-based): chr9:26,926,424, A>C on the plus strand (T>G on the coding strand, the complement: PLAA is on the minus strand). VCF-style: chr9-26926424-A-C. GRCh37 (hg19) VCF-style: chr9-26926422-A-C.
Other names: c.702T>G, p.Ile234Met (NM_001321546.2); short protein forms I234M.
Identifiers: ClinVar variation 3307233 (VCV003307233.1).